The following is an entry in ClinVar:

NM_182961.4(SYNE1):c.7335G>C (p.Lys2445Asn)

Gene: SYNE1 (spectrin repeat containing nuclear envelope protein 1; minus strand). Cytogenetic location: 6q25.2.
Variant type: single nucleotide variant.
Coding change: c.7335G>C on transcript NM_182961.4 (MANE Select); coding-DNA position 7335, G replaced by C.
Protein change: p.Lys2445Asn; replaces lysine 2445 with asparagine.
Molecular consequence: missense variant.
Genome position (GRCh38, 1-based): chr6:152,398,634, C>G on the plus strand (G>C on the coding strand, the complement: SYNE1 is on the minus strand). VCF-style: chr6-152398634-C-G. GRCh37 (hg19) VCF-style: chr6-152719769-C-G.
Other names: c.7356G>C, p.Lys2452Asn (NM_033071.5); short protein forms K2445N, K2452N.
Identifiers: ClinVar variation 1447780 (VCV001447780.6), dbSNP rs770329883, ClinGen allele CA366115337.

ClinVar aggregate classification (germline): Uncertain significance (1 of 4 stars; one submission).

Conditions:
Emery-Dreifuss muscular dystrophy 4, autosomal dominant (EDMD4). Also called: EMERY-DREIFUSS MUSCULAR DYSTROPHY 4 WITH VARIABLE FEATURES. Identifiers: Orphanet 261, MedGen C2751807, MONDO:0013071, OMIM 612998.
Autosomal recessive ataxia, Beauce type. Also called: Spinocerebellar ataxia, autosomal recessive 8; ATAXIA, RECESSIVE, OF BEAUCE; SYNE1 Deficiency; SYNE1-Related Autosomal Recessive Cerebellar Ataxia. Identifiers: Orphanet 88644, MedGen C1853116, MONDO:0012549, OMIM 610743.

gnomAD v4.1: 1 of 1,613,860 alleles (0.000062%); highest among the groups gnomAD compares: East Asian, 0.0022%; no homozygotes.

Submission:

Labcorp Genetics (formerly Invitae), Labcorp
Classification: Uncertain significance for Emery-Dreifuss muscular dystrophy 4, autosomal dominant; Autosomal recessive ataxia, Beauce type. Last evaluated: 2022-06-27. Review status: criteria provided, single submitter. Criteria: Invitae Variant Classification Sherloc (09022015). Collection method: clinical testing. Allele origin: germline.
Comment: In summary, the available evidence is currently insufficient to determine the role of this variant in disease. Therefore, it has been classified as a Variant of Uncertain Significance. Algorithms developed to predict the effect of missense changes on protein structure and function are either unavailable or do not agree on the potential impact of this missense change (SIFT: "Deleterious"; PolyPhen-2: "Benign"; Align-GVGD: "Class C35"). This variant has not been reported in the literature in individuals affected with SYNE1-related conditions. This variant is not present in population databases (gnomAD no frequency). This sequence change replaces lysine, which is basic and polar, with asparagine, which is neutral and polar, at codon 2452 of the SYNE1 protein (p.Lys2452Asn).